The following is an entry in ClinVar:

ClinVar aggregate classification (germline): Pathogenic (1 of 4 stars; one submission).

Conditions:
Telangiectasia, hereditary hemorrhagic, type 2 (HHT2). Also called: Telangiectasia, hereditary hemorrhagic, type II; ACVRL1-Related Hereditary Hemorrhagic Telangiectasia. Identifiers: Orphanet 774, MedGen C1838163, MONDO:0010880, OMIM 600376. Disease mechanism: loss of function.

Submission:

Labcorp Genetics (formerly Invitae), Labcorp
Classification: Pathogenic for Telangiectasia, hereditary hemorrhagic, type 2. Last evaluated: 2025-07-07. Review status: criteria provided, single submitter. Criteria: Invitae Variant Classification Sherloc (09022015). Collection method: clinical testing. Allele origin: germline.
Comment: This sequence change replaces glutamine, which is neutral and polar, with proline, which is neutral and non-polar, at codon 343 of the ACVRL1 protein (p.Gln343Pro). This variant is not present in population databases (gnomAD no frequency). This missense change has been observed in individuals with hereditary hemorrhagic telangiectasia (internal data). It has also been observed to segregate with disease in related individuals. ClinVar contains an entry for this variant (Variation ID: 663509). Invitae Evidence Modeling of protein sequence and biophysical properties (such as structural, functional, and spatial information, amino acid conservation, physicochemical variation, residue mobility, and thermodynamic stability) indicates that this missense variant is expected to disrupt ACVRL1 protein function with a positive predictive value of 95%. For these reasons, this variant has been classified as Pathogenic.

NM_000020.3(ACVRL1):c.1028A>C (p.Gln343Pro)

Gene: ACVRL1 (activin A receptor like type 1; plus strand). Cytogenetic location: 12q13.13.
Variant type: single nucleotide variant.
Coding change: c.1028A>C on transcript NM_000020.3 (MANE Select); coding-DNA position 1028, A replaced by C.
Protein change: p.Gln343Pro; replaces glutamine 343 with proline.
Molecular consequence: missense variant.
Genome position (GRCh38, 1-based): chr12:51,915,480, A>C. VCF-style: chr12-51915480-A-C. GRCh37 (hg19) VCF-style: chr12-52309264-A-C.
Other names: c.1028A>C, p.Gln343Pro (NM_001077401.2); short protein forms Q343P.
Identifiers: ClinVar variation 663509 (VCV000663509.8), dbSNP rs1592224402, ClinGen allele CA384901720.